The following is an entry in ClinVar:

NM_018344.6(SLC29A3):c.1174C>G (p.Leu392Val)

Gene: SLC29A3 (solute carrier family 29 member 3; plus strand). Cytogenetic location: 10q22.1.
Variant type: single nucleotide variant.
Coding change: c.1174C>G on transcript NM_018344.6 (MANE Select); coding-DNA position 1174, C replaced by G.
Protein change: p.Leu392Val; replaces leucine 392 with valine.
Molecular consequence: missense variant. On other transcripts: 3 prime UTR variant (1), non-coding transcript variant (2).
Genome position (GRCh38, 1-based): chr10:71,362,354, C>G. VCF-style: chr10-71362354-C-G. GRCh37 (hg19) VCF-style: chr10-73122111-C-G.
Other names: c.*403C>G (NM_001174098.2); c.940C>G, p.Leu314Val (NM_001363518.2); short protein forms L314V, L392V.
Identifiers: ClinVar variation 1401951 (VCV001401951.6), dbSNP rs748622163, ClinGen allele CA5543137.
Genomic context (GRCh38, chr10:71,362,354, plus strand): 5'-CCAGGGCCCAATAGCAAGGCGCTCCCAGGGTTCGTGCTCCTCCGGACCTGCCTCATCCCC[C>G]TCTTCGTGCTCTGTAACTACCAGCCCCGCGTCCACCTGAAGACTGTGGTCTTCCAGTCCG-3'
Protein context (NP_060814.4, residues 382-402): FVLLRTCLIP[Leu392Val]FVLCNYQPRV

ClinVar aggregate classification (germline): Uncertain significance (1 of 4 stars; one submission).

Conditions:
H syndrome. Also called: Pigmented hypertrichosis and insulin-dependent diabetes mellitus; HISTIOCYTOSIS AND LYMPHADENOPATHY WITH OR WITHOUT CUTANEOUS, CARDIAC, AND/OR ENDOCRINE FEATURES, JOINT CONTRACTURES, AND/OR DEAFNESS; HYPERPIGMENTATION, CUTANEOUS, WITH HYPERTRICHOSIS, HEPATOSPLENOMEGALY, HEART ANOMALIES, AND HYPOGONADISM WITH OR WITHOUT HEARING LOSS; PIGMENTED HYPERTRICHOSIS WITH INSULIN-DEPENDENT DIABETES MELLITUS; ROSAI-DORFMAN DISEASE, FAMILIAL; SINUS HISTIOCYTOSIS AND MASSIVE LYMPHADENOPATHY. Identifiers: Orphanet 168569, MedGen C1864445, MONDO:0011273, OMIM 602782.

gnomAD v4.1: 76 of 1,614,082 alleles (0.0047%); highest among the groups gnomAD compares: South Asian, 0.067%; no homozygotes.

Submission:

Labcorp Genetics (formerly Invitae), Labcorp
Classification: Uncertain significance for H syndrome. Last evaluated: 2025-09-08. Review status: criteria provided, single submitter. Criteria: Invitae Variant Classification Sherloc (09022015). Collection method: clinical testing. Allele origin: germline.
Comment: This sequence change replaces leucine, which is neutral and non-polar, with valine, which is neutral and non-polar, at codon 392 of the SLC29A3 protein (p.Leu392Val). This variant is present in population databases (rs748622163, gnomAD 0.07%). This variant has not been reported in the literature in individuals affected with SLC29A3-related conditions. ClinVar contains an entry for this variant (Variation ID: 1401951). Invitae Evidence Modeling of protein sequence and biophysical properties (such as structural, functional, and spatial information, amino acid conservation, physicochemical variation, residue mobility, and thermodynamic stability) indicates that this missense variant is not expected to disrupt SLC29A3 protein function with a negative predictive value of 80%. In summary, the available evidence is currently insufficient to determine the role of this variant in disease. Therefore, it has been classified as a Variant of Uncertain Significance.